The following is an entry in ClinVar:

ClinVar aggregate classification (germline): Uncertain significance. Review status: criteria provided, multiple submitters, no conflicts (2 of 4 stars). 5 submissions from 5 submitters: Uncertain significance (5). Last evaluated 2025-09-05.

Conditions:
Inborn genetic diseases. Identifiers: MedGen C0950123, MeSH D030342.
Brachydactyly type B1 (BDB1). Identifiers: Orphanet 572385, Orphanet 93383, MedGen C1862112, MONDO:0007220, OMIM 113000.
Autosomal recessive Robinow syndrome (RRS1). Also called: ROBINOW SYNDROME, AUTOSOMAL RECESSIVE 1; ROR2-Related Robinow Syndrome; COSTOVERTEBRAL SEGMENTATION DEFECT WITH MESOMELIA; COVESDEM SYNDROME. Identifiers: Orphanet 1507, Orphanet 97360, MedGen C5399974, MONDO:0009999, OMIM 268310.

Allele frequency attached by ClinVar (database versions not stated): gnomAD exomes 0.00001 and 0.00003.
gnomAD v4.1: 11 of 1,614,168 alleles (0.00068%); highest among the groups gnomAD compares: Admixed American, 0.015%; no homozygotes.

Submissions (5):

Ambry Genetics
Classification: Uncertain significance for Inborn genetic diseases. Last evaluated: 2025-09-05. Review status: criteria provided, single submitter. Criteria: Ambry Variant Classification Scheme 2023. Collection method: clinical testing. Allele origin: germline.

Labcorp Genetics (formerly Invitae), Labcorp
Classification: Uncertain significance. Last evaluated: 2025-08-16. Review status: criteria provided, single submitter. Criteria: Invitae Variant Classification Sherloc (09022015). Collection method: clinical testing. Allele origin: germline.
Comment: This sequence change replaces isoleucine, which is neutral and non-polar, with valine, which is neutral and non-polar, at codon 656 of the ROR2 protein (p.Ile656Val). This variant is present in population databases (no rsID available, gnomAD 0.02%). This variant has not been reported in the literature in individuals affected with ROR2-related conditions. ClinVar contains an entry for this variant (Variation ID: 595513). Invitae Evidence Modeling of protein sequence and biophysical properties (such as structural, functional, and spatial information, amino acid conservation, physicochemical variation, residue mobility, and thermodynamic stability) indicates that this missense variant is not expected to disrupt ROR2 protein function with a negative predictive value of 80%. In summary, the available evidence is currently insufficient to determine the role of this variant in disease. Therefore, it has been classified as a Variant of Uncertain Significance.

Fulgent Genetics
Classification: Uncertain significance for Brachydactyly type B1; Autosomal recessive Robinow syndrome. Last evaluated: 2024-01-05. Review status: criteria provided, single submitter. Criteria: ACMG Guidelines, 2015. Collection method: clinical testing. Allele origin: germline.

GeneDx
Classification: Uncertain significance. Last evaluated: 2023-12-12. Review status: criteria provided, single submitter. Criteria: GeneDx Variant Classification Process June 2021. Collection method: clinical testing. Allele origin: germline. Affected: yes.
Comment: In silico analysis supports that this missense variant does not alter protein structure/function; Has not been previously published as pathogenic or benign to our knowledge

Eurofins Ntd Llc (ga)
Classification: Uncertain significance. Last evaluated: 2017-12-27. Review status: criteria provided, single submitter. Criteria: EGL Classification Definitions 2015. Collection method: clinical testing. Allele origin: germline. Observed: 1 variant allele, 1 heterozygote.

NM_004560.4(ROR2):c.1966A>G (p.Ile656Val)

Gene: ROR2 (receptor tyrosine kinase like orphan receptor 2; minus strand). Cytogenetic location: 9q22.31.
Variant type: single nucleotide variant.
Coding change: c.1966A>G on transcript NM_004560.4 (MANE Select); coding-DNA position 1966, A replaced by G.
Protein change: p.Ile656Val; replaces isoleucine 656 with valine.
Molecular consequence: missense variant.
Genome position (GRCh38, 1-based): chr9:91,724,528, T>C on the plus strand (A>G on the coding strand, the complement: ROR2 is on the minus strand). VCF-style: chr9-91724528-T-C. GRCh37 (hg19) VCF-style: chr9-94486810-T-C.
Other names: c.1966A>G (NM_004560.3); short protein forms I656V.
Identifiers: ClinVar variation 595513 (VCV000595513.16), dbSNP rs1239750233, ClinGen allele CA373796794.